The following is an entry in ClinVar:

ClinVar aggregate classification (germline): Pathogenic. Review status: criteria provided, multiple submitters, no conflicts (2 of 4 stars). 2 submissions from 2 submitters: Pathogenic (2). Last evaluated 2024-03-16.

Conditions:
Familial X-linked hypophosphatemic vitamin D refractory rickets (XLHRD). Also called: X-Linked Hypophosphatemia; Hypophosphatemic Rickets, X-Linked Dominant; HYPOPHOSPHATEMIC VITAMIN D-RESISTANT RICKETS; Hypophosphatemia, vitamin D-resistant rickets; Vitamin D-resistant rickets, X-linked. Identifiers: Orphanet 89936, MedGen C0733682, MONDO:0010619, OMIM 307800.

Submissions (2):

Labcorp Genetics (formerly Invitae), Labcorp
Classification: Pathogenic. Last evaluated: 2024-03-16. Review status: criteria provided, single submitter. Criteria: Invitae Variant Classification Sherloc (09022015). Collection method: clinical testing. Allele origin: germline.
Comment: This sequence change creates a premature translational stop signal (p.Gln621*) in the PHEX gene. It is expected to result in an absent or disrupted protein product. Loss-of-function variants in PHEX are known to be pathogenic (PMID: 9097956, 9106524, 19219621). This variant is not present in population databases (gnomAD no frequency). This premature translational stop signal has been observed in individual(s) with X-linked hypophosphatemic rickets (PMID: 22101457). ClinVar contains an entry for this variant (Variation ID: 1705285). For these reasons, this variant has been classified as Pathogenic.

3billion
Classification: Pathogenic for Familial X-linked hypophosphatemic vitamin D refractory rickets. Last evaluated: 2022-09-01. Review status: criteria provided, single submitter. Criteria: ACMG Guidelines, 2015. Collection method: clinical testing. Allele origin: germline. Affected: yes. Observed: 1 heterozygote.
Comment: The variant is not observed in the gnomAD v2.1.1 dataset. This stop-gained (nonsense) variant is predicted to result in a loss or disruption of normal protein function through nonsense-mediated decay (NMD) or protein truncation. Multiple pathogenic variants are reported downstream of the variant. The variant has been reported to be associated with PHEX-related disorder (PMID: 22101457). Therefore, this variant is classified as Pathogenic according to the recommendation of ACMG/AMP guideline.

Literature cited by the submitters: PubMed 9097956 (cited by Labcorp Genetics (formerly Invitae), Labcorp); PubMed 9106524 (cited by Labcorp Genetics (formerly Invitae), Labcorp); PubMed 19219621 (cited by Labcorp Genetics (formerly Invitae), Labcorp); PubMed 22101457 (cited by Labcorp Genetics (formerly Invitae), Labcorp and 3billion).

NM_000444.6(PHEX):c.1861C>T (p.Gln621Ter)

Genes: PHEX (phosphate regulating endopeptidase X-linked; plus strand), PTCHD1-AS (PTCHD1 and PHEX antisense RNA; minus strand). Cytogenetic location: Xp22.11.
Variant type: single nucleotide variant.
Coding change: c.1861C>T on transcript NM_000444.6 (MANE Select); coding-DNA position 1861, C replaced by T.
Protein change: p.Gln621Ter; replaces glutamine 621 with a stop codon.
Molecular consequence: nonsense.
Genome position (GRCh38, 1-based): chrX:22,221,705, C>T. VCF-style: chrX-22221705-C-T. GRCh37 (hg19) VCF-style: chrX-22239822-C-T.
Other names: c.1861C>T, p.Gln621Ter (NM_001282754.2); short protein forms Q621*.
Identifiers: ClinVar variation 1705285 (VCV001705285.3), dbSNP rs2518664568, ClinGen allele CA412573831.